The following is an entry in ClinVar:

NM_004385.5(VCAN):c.877C>A (p.Gln293Lys)

Gene: VCAN (versican; plus strand). Cytogenetic location: 5q14.3.
Variant type: single nucleotide variant.
Coding change: c.877C>A on transcript NM_004385.5 (MANE Select); coding-DNA position 877, C replaced by A.
Protein change: p.Gln293Lys; replaces glutamine 293 with lysine.
Molecular consequence: missense variant.
Genome position (GRCh38, 1-based): chr5:83,512,231, C>A. VCF-style: chr5-83512231-C-A. GRCh37 (hg19) VCF-style: chr5-82808050-C-A.
Other names: c.877C>A, p.Gln293Lys (NM_001126336.3, NM_001164097.2, NM_001164098.2); short protein forms Q293K.
Identifiers: ClinVar variation 2012651 (VCV002012651.4), dbSNP rs2479023417, ClinGen allele CA360298099.
Genomic context (GRCh38, chr5:83,512,231, plus strand): 5'-CAGGATGCCAGGCTGGCAACAGTGGGGGAACTCCAGGCGGCATGGAGGAACGGCTTTGAC[C>A]AGTGCGATTACGGGTGGCTGTCGGATGCCAGCGTGCGCCACCCTGTGACTGTGGCCAGGG-3'
Protein context (NP_004376.2, residues 283-303): LQAAWRNGFD[Gln293Lys]CDYGWLSDAS

ClinVar aggregate classification (germline): Uncertain significance (1 of 4 stars; one submission).

Submission:

Labcorp Genetics (formerly Invitae), Labcorp
Classification: Uncertain significance. Last evaluated: 2022-07-01. Review status: criteria provided, single submitter. Criteria: Invitae Variant Classification Sherloc (09022015). Collection method: clinical testing. Allele origin: germline.
Comment: This sequence change replaces glutamine, which is neutral and polar, with lysine, which is basic and polar, at codon 293 of the VCAN protein (p.Gln293Lys). This variant is not present in population databases (gnomAD no frequency). This variant has not been reported in the literature in individuals affected with VCAN-related conditions. Algorithms developed to predict the effect of missense changes on protein structure and function output the following: SIFT: "Tolerated"; PolyPhen-2: "Possibly Damaging"; Align-GVGD: "Class C0". The lysine amino acid residue is found in multiple mammalian species, which suggests that this missense change does not adversely affect protein function. In summary, the available evidence is currently insufficient to determine the role of this variant in disease. Therefore, it has been classified as a Variant of Uncertain Significance.